The following is an entry in ClinVar:

NM_005502.4(ABCA1):c.2904G>A (p.Met968Ile)

Gene: ABCA1 (ATP binding cassette subfamily A member 1; minus strand). Cytogenetic location: 9q31.1.
Variant type: single nucleotide variant.
Coding change: c.2904G>A on transcript NM_005502.4 (MANE Select); coding-DNA position 2904, G replaced by A.
Protein change: p.Met968Ile; replaces methionine 968 with isoleucine.
Molecular consequence: missense variant.
Genome position (GRCh38, 1-based): chr9:104,821,431, C>T on the plus strand (G>A on the coding strand, the complement: ABCA1 is on the minus strand). VCF-style: chr9-104821431-C-T. GRCh37 (hg19) VCF-style: chr9-107583712-C-T.
Other names: short protein forms M968I.
Identifiers: ClinVar variation 1519359 (VCV001519359.8), dbSNP rs2118972241, ClinGen allele CA374319928.

ClinVar aggregate classification (germline): Uncertain significance (1 of 4 stars; one submission).

Submission:

Labcorp Genetics (formerly Invitae), Labcorp
Classification: Uncertain significance. Last evaluated: 2022-03-02. Review status: criteria provided, single submitter. Criteria: Invitae Variant Classification Sherloc (09022015). Collection method: clinical testing. Allele origin: germline.
Comment: This sequence change replaces methionine, which is neutral and non-polar, with isoleucine, which is neutral and non-polar, at codon 968 of the ABCA1 protein (p.Met968Ile). This variant is not present in population databases (gnomAD no frequency). In summary, the available evidence is currently insufficient to determine the role of this variant in disease. Therefore, it has been classified as a Variant of Uncertain Significance. Advanced modeling of protein sequence and biophysical properties (such as structural, functional, and spatial information, amino acid conservation, physicochemical variation, residue mobility, and thermodynamic stability) performed at Invitae indicates that this missense variant is not expected to disrupt ABCA1 protein function. This variant has not been reported in the literature in individuals affected with ABCA1-related conditions.